The following is an entry in ClinVar:

NM_001103.4(ACTN2):c.361+96C>T

Gene: ACTN2 (actinin alpha 2; plus strand). Cytogenetic location: 1q43.
Variant type: single nucleotide variant.
Coding change: c.361+96C>T on transcript NM_001103.4 (MANE Select); 96 bases into the intron after coding-DNA position 361, C replaced by T.
Molecular consequence: intron variant.
Genome position (GRCh38, 1-based): chr1:236,719,109, C>T. VCF-style: chr1-236719109-C-T. GRCh37 (hg19) VCF-style: chr1-236882409-C-T.
Other names: c.-461+96C>T (NM_001278344.2); c.361+96C>T (NM_001278343.2).
Identifiers: ClinVar variation 674338 (VCV000674338.2), dbSNP rs41269355, ClinGen allele CA39709942.

ClinVar aggregate classification (germline): Benign. Review status: criteria provided, multiple submitters, no conflicts (2 of 4 stars). 2 submissions from 2 submitters: Benign (2). Last evaluated 2018-06-14.

Allele frequency attached by ClinVar (database versions not stated): 1000 Genomes Project 30x 0.03107; 1000 Genomes Project 0.03175; TOPMed 0.04579; gnomAD 0.04811 and 0.04910; gnomAD exomes 0.06321.
gnomAD v4.1: 94,537 of 1,541,346 alleles (6.1%); highest among the groups gnomAD compares: Admixed American, 7.9%; 3,307 homozygotes.

Submissions (2):

GeneDx
Classification: Benign. Last evaluated: 2018-06-14. Review status: criteria provided, single submitter. Criteria: GeneDx Variant Classification (06012015). Collection method: clinical testing. Allele origin: germline. Affected: yes.
Comment: This variant is considered likely benign or benign based on one or more of the following criteria: it is a conservative change, it occurs at a poorly conserved position in the protein, it is predicted to be benign by multiple in silico algorithms, and/or has population frequency not consistent with disease.

Breakthrough Genomics
Classification: Benign. Review status: criteria provided, single submitter. Criteria: ACMG Guidelines, 2015. Collection method: not provided. Allele origin: germline. Inheritance: Autosomal dominant inheritance. Affected: yes.